The following is an entry in ClinVar:

NM_006361.6(HOXB13):c.68G>C (p.Gly23Ala)

Gene: HOXB13 (homeobox B13; minus strand). Cytogenetic location: 17q21.32.
Variant type: single nucleotide variant.
Coding change: c.68G>C on transcript NM_006361.6 (MANE Select); coding-DNA position 68, G replaced by C.
Protein change: p.Gly23Ala; replaces glycine 23 with alanine.
Molecular consequence: missense variant.
Genome position (GRCh38, 1-based): chr17:48,728,526, C>G on the plus strand (G>C on the coding strand, the complement: HOXB13 is on the minus strand). VCF-style: chr17-48728526-C-G. GRCh37 (hg19) VCF-style: chr17-46805888-C-G.
Other names: short protein forms G23A.
Identifiers: ClinVar variation 690948 (VCV000690948.8), dbSNP rs745392080, ClinGen allele CA400109614.

ClinVar aggregate classification (germline): Conflicting classifications of pathogenicity. Review status: criteria provided, conflicting classifications (1 of 4 stars). 3 submissions from 3 submitters: Uncertain significance (1); Likely benign (1). 1 of the submissions does not count toward it. Last evaluated 2025-12-22.

Conditions:
Prostate cancer, hereditary, 1 (HPC1). Identifiers: Orphanet 1331, MedGen C4722327, MONDO:0011098, OMIM 601518.
Hereditary cancer-predisposing syndrome. Also called: Neoplastic Syndromes, Hereditary; Tumor predisposition; Hereditary neoplastic syndrome; Hereditary Cancer Syndrome. Identifiers: Orphanet 140162, MedGen C0027672, MeSH D009386, MONDO:0015356.

Submissions (3):

Labcorp Genetics (formerly Invitae), Labcorp
Classification: Uncertain significance. Last evaluated: 2025-12-22. Review status: criteria provided, single submitter. Criteria: Invitae Variant Classification Sherloc (09022015). Collection method: clinical testing. Allele origin: germline.
Comment: This sequence change replaces glycine, which is neutral and non-polar, with alanine, which is neutral and non-polar, at codon 23 of the HOXB13 protein (p.Gly23Ala). This variant is not present in population databases (gnomAD no frequency). This variant has not been reported in the literature in individuals affected with HOXB13-related conditions. ClinVar contains an entry for this variant (Variation ID: 690948). An algorithm developed to predict the effect of missense changes on protein structure and function outputs the following: PolyPhen-2: "Benign". The alanine amino acid residue is found in multiple mammalian species, which suggests that this missense change does not adversely affect protein function. In summary, the available evidence is currently insufficient to determine the role of this variant in disease. Therefore, it has been classified as a Variant of Uncertain Significance.

Ambry Genetics
Classification: Likely benign for Hereditary cancer-predisposing syndrome. Last evaluated: 2025-07-03. Review status: criteria provided, single submitter. Criteria: Ambry Variant Classification Scheme 2023. Collection method: clinical testing. Allele origin: germline.

Laboratory of Virology, Microbiology,  Quality and Medical Biotechnologies, Faculty of Sciences and Techniques - Mohammedia, Hassan II University of Casablanca
Classification: Uncertain significance for Prostate cancer, hereditary, 1. Review status: no assertion criteria provided. Collection method: clinical testing. Allele origin: somatic. Affected: yes. Not counted in ClinVar's aggregate classification.